The following is an entry in ClinVar:

ClinVar aggregate classification (germline): Uncertain significance. Review status: criteria provided, multiple submitters, no conflicts (2 of 4 stars). 3 submissions from 3 submitters: Uncertain significance (2). 1 of the submissions does not count toward it. Last evaluated 2022-05-10.

Conditions:
Propionic acidemia (PROP). Also called: GLYCINEMIA, KETOTIC; HYPERGLYCINEMIA WITH KETOACIDOSIS AND LEUKOPENIA; KETOTIC HYPERGLYCINEMIA. Identifiers: Orphanet 35, MedGen C0268579, MONDO:0011628, OMIM 606054, HP:0003571.

Allele frequency attached by ClinVar (database versions not stated): ExAC 0.00002; gnomAD 0.00002; gnomAD exomes 0.00002; TOPMed 0.00003.
gnomAD v4.1: 40 of 1,612,962 alleles (0.0025%); highest among the groups gnomAD compares: Non-Finnish European, 0.0027%; no homozygotes.

Submissions (3):

Labcorp Genetics (formerly Invitae), Labcorp
Classification: Uncertain significance for Propionic acidemia. Last evaluated: 2022-05-10. Review status: criteria provided, single submitter. Criteria: Invitae Variant Classification Sherloc (09022015). Collection method: clinical testing. Allele origin: germline.
Comment: This sequence change replaces glycine, which is neutral and non-polar, with alanine, which is neutral and non-polar, at codon 197 of the PCCA protein (p.Gly197Ala). This variant is present in population databases (rs766245108, gnomAD 0.007%). This variant has not been reported in the literature in individuals affected with PCCA-related conditions. ClinVar contains an entry for this variant (Variation ID: 573470). Advanced modeling of protein sequence and biophysical properties (such as structural, functional, and spatial information, amino acid conservation, physicochemical variation, residue mobility, and thermodynamic stability) performed at Invitae indicates that this missense variant is expected to disrupt PCCA protein function. In summary, the available evidence is currently insufficient to determine the role of this variant in disease. Therefore, it has been classified as a Variant of Uncertain Significance.

Illumina Laboratory Services, Illumina
Classification: Uncertain significance for Propionic acidemia. Last evaluated: 2017-04-28. Review status: criteria provided, single submitter. Criteria: ICSL Variant Classification Criteria 13 December 2019. Collection method: clinical testing. Allele origin: germline.

Natera, Inc.
Classification: Uncertain significance for Propionic acidemia. Last evaluated: 2020-09-11. Review status: no assertion criteria provided. Collection method: clinical testing. Allele origin: germline. Not counted in ClinVar's aggregate classification.

NM_000282.4(PCCA):c.590G>C (p.Gly197Ala)

Gene: PCCA (propionyl-CoA carboxylase subunit alpha; plus strand). Cytogenetic location: 13q32.3.
Variant type: single nucleotide variant.
Coding change: c.590G>C on transcript NM_000282.4 (MANE Select); coding-DNA position 590, G replaced by C.
Protein change: p.Gly197Ala; replaces glycine 197 with alanine.
Molecular consequence: missense variant. On other transcripts: 5 prime UTR variant (3), non-coding transcript variant (5).
Genome position (GRCh38, 1-based): chr13:100,209,453, G>C. VCF-style: chr13-100209453-G-C. GRCh37 (hg19) VCF-style: chr13-100861707-G-C.
Other names: c.512G>C, p.Gly171Ala (NM_001127692.3, NM_001352607.2, NM_001352608.2); c.590G>C, p.Gly197Ala (NM_001178004.2, NM_001352605.2, NM_001352606.2 and 1 more transcripts); c.-277G>C (NM_001352610.2, NM_001352611.2, NM_001352612.2); short protein forms G197A, G171A.
Identifiers: ClinVar variation 573470 (VCV000573470.13), dbSNP rs766245108, ClinGen allele CA7033269.